The following is an entry in ClinVar:

ClinVar aggregate classification (germline): Uncertain significance. Review status: criteria provided, multiple submitters, no conflicts (2 of 4 stars). 2 submissions from 2 submitters: Uncertain significance (2). Last evaluated 2020-05-23.

Conditions:
Catecholaminergic polymorphic ventricular tachycardia 1. Also called: VENTRICULAR TACHYCARDIA, CATECHOLAMINERGIC POLYMORPHIC, 1, WITH OR WITHOUT ATRIAL DYSFUNCTION AND/OR DILATED CARDIOMYOPATHY; RYR2-Related Catecholaminergic Polymorphic Ventricular Tachycardia; VENTRICULAR TACHYCARDIA, STRESS-INDUCED POLYMORPHIC 1. Identifiers: Orphanet 3286, MedGen C1631597, MONDO:0011484, OMIM 604772.
Cardiomyopathy (CMYO). Also called: Cardiomyopathies. Identifiers: Orphanet 167848, MedGen C0878544, MONDO:0004994, HP:0001638. Inheritance: Various modes of inheritance.

Allele frequency attached by ClinVar (database versions not stated): gnomAD exomes below 0.00001.
gnomAD v4.1: 2 of 1,613,496 alleles (0.00012%); highest among the groups gnomAD compares: African/African-American, 0.0013%; no homozygotes.

Submissions (2):

Labcorp Genetics (formerly Invitae), Labcorp
Classification: Uncertain significance for Catecholaminergic polymorphic ventricular tachycardia 1. Last evaluated: 2020-05-23. Review status: criteria provided, single submitter. Criteria: Invitae Variant Classification Sherloc (09022015). Collection method: clinical testing. Allele origin: germline.
Comment: This variant is not present in population databases (ExAC no frequency). This variant has not been reported in the literature in individuals with RYR2-related conditions. ClinVar contains an entry for this variant (Variation ID: 691650). Algorithms developed to predict the effect of missense changes on protein structure and function (SIFT, PolyPhen-2, Align-GVGD) all suggest that this variant is likely to be disruptive, but these predictions have not been confirmed by published functional studies and their clinical significance is uncertain. Algorithms developed to predict the effect of sequence changes on RNA splicing suggest that this variant may create or strengthen a splice site, but this prediction has not been confirmed by published transcriptional studies. In summary, the available evidence is currently insufficient to determine the role of this variant in disease. Therefore, it has been classified as a Variant of Uncertain Significance. This sequence change replaces tyrosine with cysteine at codon 534 of the RYR2 protein (p.Tyr534Cys). The tyrosine residue is highly conserved and there is a large physicochemical difference between tyrosine and cysteine.

Center for Advanced Laboratory Medicine, UC San Diego Health, University of California San Diego
Classification: Uncertain significance for Cardiomyopathy. Last evaluated: 2018-11-28. Review status: criteria provided, single submitter. Criteria: ACMG Guidelines, 2015. Collection method: clinical testing. Allele origin: germline. Affected: yes. Observed: 1 variant allele.

NM_001035.3(RYR2):c.1601A>G (p.Tyr534Cys)

Gene: RYR2 (ryanodine receptor 2; plus strand). Cytogenetic location: 1q43.
Variant type: single nucleotide variant.
Coding change: c.1601A>G on transcript NM_001035.3 (MANE Select); coding-DNA position 1601, A replaced by G.
Protein change: p.Tyr534Cys; replaces tyrosine 534 with cysteine.
Molecular consequence: missense variant.
Genome position (GRCh38, 1-based): chr1:237,456,724, A>G. VCF-style: chr1-237456724-A-G. GRCh37 (hg19) VCF-style: chr1-237620024-A-G.
Other names: short protein forms Y534C.
Identifiers: ClinVar variation 691650 (VCV000691650.11), dbSNP rs1572409976, ClinGen allele CA345381977.